The following is an entry in ClinVar:

NM_001369.3(DNAH5):c.12224delinsGAG (p.Met4075fs)

Gene: DNAH5 (dynein axonemal heavy chain 5; minus strand). Cytogenetic location: 5p15.2.
Variant type: Indel.
Coding change: c.12224delinsGAG on transcript NM_001369.3 (MANE Select); coding-DNA position 12224, T replaced by GAG.
Protein change: p.Met4075fs; shifts the reading frame from methionine 4075.
Molecular consequence: frameshift variant.
Genome position (GRCh38, 1-based): chr5:13,721,055, A replaced by CTC on the plus strand (T replaced by GAG on the coding strand, the reverse complement: DNAH5 is on the minus strand). VCF-style: chr5-13721055-A-CTC. GRCh37 (hg19) VCF-style: chr5-13721164-A-CTC.
Other names: short protein forms M4075fs.
Identifiers: ClinVar variation 5011009 (VCV005011009.1).

ClinVar aggregate classification (germline): Pathogenic (1 of 4 stars; one submission).

Conditions:
Primary ciliary dyskinesia 3. Identifiers: Orphanet 244, MedGen C1837618, MONDO:0012085, OMIM 608644.

Submission:

Myriad Genetics, Inc.
Classification: Pathogenic for Primary ciliary dyskinesia 3. Last evaluated: 2024-05-14. Review status: criteria provided, single submitter. Criteria: Myriad Autosomal Dominant, Autosomal Recessive and X-Linked Classification Criteria (2023). Collection method: clinical testing. Allele origin: unknown.
Comment: NM_001369.2(DNAH5):c.12224delTinsGAG(M4075Rfs*39) is expected to be pathogenic in the context of primary ciliary dyskinesia, DNAH5-related. This variant is predicted to lead to an abnormal or absent protein product due to the creation of a premature termination codon in DNAH5, a gene where loss-of-function variants are known to be pathogenic. Please note: this variant was assessed in the context of healthy population screening.